The following is an entry in ClinVar:

ClinVar aggregate classification (germline): Uncertain significance (1 of 4 stars; one submission).

Conditions:
Inborn genetic diseases. Identifiers: MedGen C0950123, MeSH D030342.

Submission:

Ambry Genetics
Classification: Uncertain significance for Inborn genetic diseases. Last evaluated: 2025-08-08. Review status: criteria provided, single submitter. Criteria: Ambry Variant Classification Scheme 2023. Collection method: clinical testing. Allele origin: germline.
Comment: The p.D1141H variant (also known as c.3421G>C), located in coding exon 13 of the ASXL1 gene, results from a G to C substitution at nucleotide position 3421. The aspartic acid at codon 1141 is replaced by histidine, an amino acid with similar properties. This amino acid position is conserved. In addition, this alteration is predicted to be tolerated by in silico analysis. Based on the available evidence, the clinical significance of this variant remains unclear.

NM_015338.6(ASXL1):c.3421G>C (p.Asp1141His)

Gene: ASXL1 (ASXL transcriptional regulator 1; plus strand). Cytogenetic location: 20q11.21.
Variant type: single nucleotide variant.
Coding change: c.3421G>C on transcript NM_015338.6 (MANE Select); coding-DNA position 3421, G replaced by C.
Protein change: p.Asp1141His; replaces aspartic acid 1141 with histidine.
Molecular consequence: missense variant.
Genome position (GRCh38, 1-based): chr20:32,436,133, G>C. VCF-style: chr20-32436133-G-C. GRCh37 (hg19) VCF-style: chr20-31023936-G-C.
Other names: c.3238G>C, p.Asp1080His (NM_001363734.1); short protein forms D1080H, D1141H.
Identifiers: ClinVar variation 4158773 (VCV004158773.1).
Genomic context (GRCh38, chr20:32,436,133, plus strand): 5'-GTTCTTCCACCAGCCCACGATGACAGCATGTCAGAATCCCCACAAGTACCACTTACAAAA[G>C]ACCAGAGCCATGGCTCGCTACGCATGGGATCTTTACATGGTCTTGGAAAAAACAGTGGCA-3'
Protein context (NP_056153.2, residues 1131-1151): SESPQVPLTK[Asp1141His]QSHGSLRMGS